The following is an entry in ClinVar:

NM_000053.4(ATP7B):c.1728G>A (p.Ala576=)

Gene: ATP7B (ATPase copper transporting beta; minus strand). Cytogenetic location: 13q14.3.
Variant type: single nucleotide variant.
Coding change: c.1728G>A on transcript NM_000053.4 (MANE Select); coding-DNA position 1728, G replaced by A.
Protein change: p.Ala576=; no amino-acid change (alanine 576 retained).
Molecular consequence: synonymous variant.
Genome position (GRCh38, 1-based): chr13:51,965,013, C>T on the plus strand (G>A on the coding strand, the complement: ATP7B is on the minus strand). VCF-style: chr13-51965013-C-T. GRCh37 (hg19) VCF-style: chr13-52539149-C-T.
Other names: p.Ala576=; c.1728G>A, p.Ala576= (NM_001005918.3, NM_001330578.2, NM_001330579.2); c.1395G>A, p.Ala465= (NM_001243182.2).
Identifiers: ClinVar variation 386031 (VCV000386031.56), dbSNP rs116703544, ClinGen allele CA6989238.

ClinVar aggregate classification (germline): Benign/Likely benign. Review status: criteria provided, multiple submitters, no conflicts (2 of 4 stars). 16 submissions from 16 submitters: Benign (8); Likely benign (5). 3 of the submissions do not count toward it. Last evaluated 2026-02-02.

Conditions:
ATP7B-related disorder. Also called: ATP7B-related condition.
Inborn genetic diseases. Identifiers: MedGen C0950123, MeSH D030342.
Wilson disease (WND). Also called: Wilson's disease. Identifiers: Orphanet 905, MedGen C0019202, MONDO:0010200, OMIM 277900. Disease mechanism: loss of function.

Allele frequency attached by ClinVar (database versions not stated): gnomAD exomes 0.00114; ExAC 0.00153; gnomAD 0.00413 and 0.00442; ESP Exome Variant Server 0.00415; TOPMed 0.00450; 1000 Genomes Project 0.00539; 1000 Genomes Project 30x 0.00547.
gnomAD v4.1: 1,395 of 1,614,086 alleles (0.086%); highest among the groups gnomAD compares: African/African-American, 1.4%; 8 homozygotes.

Submissions (16):

Labcorp Genetics (formerly Invitae), Labcorp
Classification: Benign for Wilson disease. Last evaluated: 2026-02-02. Review status: criteria provided, single submitter. Criteria: Invitae Variant Classification Sherloc (09022015). Collection method: clinical testing. Allele origin: germline.

ARUP Laboratories, Molecular Genetics and Genomics, ARUP Laboratories
Classification: Benign for Wilson disease. Last evaluated: 2025-03-20. Review status: criteria provided, single submitter. Criteria: ARUP Molecular Germline Variant Investigation Process 2024. Collection method: clinical testing. Allele origin: germline.

Mayo Clinic Laboratories, Mayo Clinic
Classification: Likely benign. Last evaluated: 2025-03-03. Review status: criteria provided, single submitter. Criteria: ACMG Guidelines, 2015. Collection method: clinical testing. Allele origin: germline. Observed: 9 variant alleles.
Comment: BS1, BP4, BP7

Blueprint Genetics
Classification: Likely benign. Last evaluated: 2024-11-07. Review status: criteria provided, single submitter. Criteria: ACMG Guidelines, 2015. Collection method: clinical testing. Allele origin: germline.

CeGaT Center for Human Genetics Tuebingen
Classification: Likely benign. Last evaluated: 2024-10-01. Review status: criteria provided, single submitter. Criteria: CeGaT Center For Human Genetics Tuebingen Variant Classification Criteria Version 2. Collection method: clinical testing. Allele origin: germline. Affected: yes. Observed: 2 variant alleles.
Comment: ATP7B: BP4, BP7, BS1

All of Us Research Program, National Institutes of Health
Classification: Benign for Wilson disease. Last evaluated: 2024-02-05. Review status: criteria provided, single submitter. Criteria: ACMG Guidelines, 2015. Collection method: clinical testing. Allele origin: germline. Inheritance: Autosomal recessive inheritance. Observed: 259 variant alleles, 257 heterozygotes, 2 homozygotes.
Comment: This study involves interpretation of variants in research participants for the purpose of population health screening. Participant phenotype was not available at the time of variant classification. Additional details can be found in publication PMID: 35346344, PMCID: PMC8962531

Color Diagnostics, LLC DBA Color Health
Classification: Benign for Wilson disease. Last evaluated: 2022-09-16. Review status: criteria provided, single submitter. Criteria: ACMG Guidelines, 2015. Collection method: clinical testing. Allele origin: germline.

Fulgent Genetics
Classification: Benign for Wilson disease. Last evaluated: 2021-09-28. Review status: criteria provided, single submitter. Criteria: ACMG Guidelines, 2015. Collection method: clinical testing. Allele origin: unknown.

Illumina Laboratory Services, Illumina
Classification: Likely benign for Wilson disease. Last evaluated: 2018-01-13. Review status: criteria provided, single submitter. Criteria: ICSL Variant Classification Criteria 13 December 2019. Collection method: clinical testing. Allele origin: germline.
Comment: This variant was observed in the ICSL laboratory as part of a predisposition screen in an ostensibly healthy population. It had not been previously curated by ICSL or reported in the Human Gene Mutation Database (HGMD: prior to June 1st, 2018), and was therefore a candidate for classification through an automated scoring system. Utilizing variant allele frequency, disease prevalence and penetrance estimates, and inheritance mode, an automated score was calculated to assess if this variant is too frequent to cause the disease. Based on the score and internal cut-off values, a variant classified as likely benign is not then subjected to further curation. The score for this variant resulted in a classification of likely benign for this disease.

Ambry Genetics
Classification: Benign for Inborn genetic diseases. Last evaluated: 2017-08-10. Review status: criteria provided, single submitter. Criteria: Ambry Variant Classification Scheme 2023. Collection method: clinical testing. Allele origin: germline.

Women's Health and Genetics/Laboratory Corporation of America, LabCorp
Classification: Benign. Last evaluated: 2016-10-27. Review status: criteria provided, single submitter. Criteria: LabCorp Variant Classification Summary - May 2015. Collection method: clinical testing. Allele origin: germline.
Comment: Variant summary: The ATP7B c.1728G>A (p.Ala576Ala) variant involves the alteration of a non-conserved nucleotide, resulting in a synonymous change. One in silico tool predicts a damaging outcome for this variant. 5/5 splice prediction tools predict no significant impact on normal splicing. ESE finder predicts that this variant may affect multiple ESE sites. However, these predictions have yet to be confirmed by functional studies. This variant was found in 186/122606 control chromosomes (3 homozygotes), predominantly observed in the African subpopulation at a frequency of 0.0161224 (158/9800). This frequency is about 3 times the estimated maximal expected allele frequency of a pathogenic ATP7B variant (0.0054006). In addition, three homozygotes were found in the African subpopulation in controls. These data suggest the variant of interest is a benign polymorphism found primarily in the populations of African origin. The variant of interest has not, to our knowledge, been reported in affected individuals via publications and/or reputable databases/clinical diagnostic laboratories; nor evaluated for functional impact by in vivo/vitro studies. Based on the splicing prediction and allele frequency in controls, this variant is classified as benign.

GeneDx
Classification: Benign. Last evaluated: 2016-09-02. Review status: criteria provided, single submitter. Criteria: GeneDx Variant Classification (06012015). Collection method: clinical testing. Allele origin: germline. Affected: yes.
Comment: This variant is considered likely benign or benign based on one or more of the following criteria: it is a conservative change, it occurs at a poorly conserved position in the protein, it is predicted to be benign by multiple in silico algorithms, and/or has population frequency not consistent with disease.

Breakthrough Genomics
Classification: Likely benign. Review status: criteria provided, single submitter. Criteria: ACMG Guidelines, 2015. Collection method: not provided. Allele origin: germline. Inheritance: Autosomal recessive inheritance. Affected: yes.

PreventionGenetics, part of Exact Sciences
Classification: Benign for ATP7B-related condition. Last evaluated: 2019-04-05. Review status: no assertion criteria provided. Collection method: clinical testing. Allele origin: germline. Not counted in ClinVar's aggregate classification.
Comment: This variant is classified as benign based on ACMG/AMP sequence variant interpretation guidelines (Richards et al. 2015 PMID: 25741868, with internal and published modifications).

Clinical Genetics DNA and cytogenetics Diagnostics Lab, Erasmus MC, Erasmus Medical Center
Classification: Benign. Review status: no assertion criteria provided. Collection method: clinical testing. Allele origin: germline. Affected: yes. Study: VKGL Data-share Consensus. Not counted in ClinVar's aggregate classification.

Genome Diagnostics Laboratory, Amsterdam University Medical Center
Classification: Likely benign. Review status: no assertion criteria provided. Collection method: clinical testing. Allele origin: germline. Affected: yes. Study: VKGL Data-share Consensus. Not counted in ClinVar's aggregate classification.

Literature cited by the submitters: PubMed 23518715 (cited by Mayo Clinic Laboratories, Mayo Clinic and Women's Health and Genetics/Laboratory Corporation of America, LabCorp).